The following is an entry in ClinVar:

NM_020921.4(NIN):c.2041G>A (p.Gly681Arg)

Genes: NIN (ninein; minus strand), LOC130055602 (ATAC-STARR-seq lymphoblastoid active region 8362; plus strand). Cytogenetic location: 14q22.1.
Variant type: single nucleotide variant.
Coding change: c.2041G>A on transcript NM_020921.4 (MANE Select); coding-DNA position 2041, G replaced by A.
Protein change: p.Gly681Arg; replaces glycine 681 with arginine.
Molecular consequence: missense variant.
Genome position (GRCh38, 1-based): chr14:50,760,215, C>T on the plus strand (G>A on the coding strand, the complement: NIN is on the minus strand). VCF-style: chr14-50760215-C-T. GRCh37 (hg19) VCF-style: chr14-51226933-C-T.
Other names: c.2041G>A, p.Gly681Arg (NM_016350.5, NM_182944.3, NM_182946.2); short protein forms G681R.
Identifiers: ClinVar variation 790684 (VCV000790684.17), dbSNP rs142733791, ClinGen allele CA7182009.

ClinVar aggregate classification (germline): Conflicting classifications of pathogenicity. Review status: criteria provided, conflicting classifications (1 of 4 stars). 4 submissions from 4 submitters: Uncertain significance (1); Likely benign (2). 1 of the submissions does not count toward it. Last evaluated 2025-10-21.

Conditions:
Seckel syndrome 7 (SCKL7). Identifiers: Orphanet 319675, MedGen C3553870, MONDO:0013922, OMIM 614851.
NIN-related disorder. Also called: NIN-related condition.

Allele frequency attached by ClinVar (database versions not stated): gnomAD exomes 0.00059; ExAC 0.00070; 1000 Genomes Project 0.00120; 1000 Genomes Project 30x 0.00172; ESP Exome Variant Server 0.00238; gnomAD 0.00240 and 0.00263; TOPMed 0.00270.
gnomAD v4.1: 708 of 1,613,796 alleles (0.044%); highest among the groups gnomAD compares: African/African-American, 0.78%; 2 homozygotes.

Submissions (6):

Labcorp Genetics (formerly Invitae), Labcorp
Classification: Likely benign. Last evaluated: 2025-10-21. Review status: criteria provided, single submitter. Criteria: Invitae Variant Classification Sherloc (09022015). Collection method: clinical testing. Allele origin: germline.

Knight Diagnostic Laboratories, Oregon Health and Sciences University
Classification: Likely benign for Seckel syndrome 7. Last evaluated: 2019-11-15. Review status: criteria provided, single submitter. Criteria: ACMG Guidelines, 2015. Collection method: clinical testing. Allele origin: germline. Observed: 1 variant allele.

Genetic Services Laboratory, University of Chicago
Classification: Uncertain significance. Last evaluated: 2019-02-26. Review status: criteria provided, single submitter. Criteria: ACMG Guidelines, 2015. Collection method: clinical testing. Allele origin: germline. Affected: no.

PreventionGenetics, part of Exact Sciences
Classification: Benign for NIN-related condition. Last evaluated: 2019-12-09. Review status: no assertion criteria provided. Collection method: clinical testing. Allele origin: germline. Not counted in ClinVar's aggregate classification.
Comment: This variant is classified as benign based on ACMG/AMP sequence variant interpretation guidelines (Richards et al. 2015 PMID: 25741868, with internal and published modifications).

Dr. Peter K. Rogan Lab, Western University
No classification provided (evidence only). Condition: Hepatocellular carcinoma. Review status: no classification provided. Collection method: in vitro. Allele origin: not applicable. Functional consequence: retained intron. Not counted in ClinVar's aggregate classification.

Dr. Peter K. Rogan Lab, Western University
No classification provided (evidence only). Condition: Hepatocellular carcinoma. Review status: no classification provided. Collection method: in vitro. Allele origin: not applicable. Functional consequence: skipped exon, retained intron. Not counted in ClinVar's aggregate classification.